The following is an entry in ClinVar:

ClinVar aggregate classification (germline): Benign/Likely benign. Review status: criteria provided, multiple submitters, no conflicts (2 of 4 stars). 5 submissions from 5 submitters: Benign (1); Likely benign (4). Last evaluated 2025-05-19.

Conditions:
Hereditary cancer-predisposing syndrome. Also called: Tumor predisposition; Hereditary Cancer Syndrome; Hereditary neoplastic syndrome; Neoplastic Syndromes, Hereditary. Identifiers: Orphanet 140162, MedGen C0027672, MeSH D009386, MONDO:0015356.
Familial cancer of breast. Also called: BREAST CANCER, FAMILIAL; hereditary breast carcinoma; Hereditary breast cancer. Identifiers: Orphanet 227535, MedGen C0346153, MONDO:0016419, OMIM 114480. Disease mechanism: loss of function.
Fanconi anemia complementation group J. Also called: BRIP1-Related Fanconi Anemia. Identifiers: Orphanet 84, MedGen C1836860, MONDO:0012187, OMIM 609054.

Submissions (5):

Labcorp Genetics (formerly Invitae), Labcorp
Classification: Likely benign for Familial cancer of breast; Fanconi anemia complementation group J. Last evaluated: 2025-05-19. Review status: criteria provided, single submitter. Criteria: Invitae Variant Classification Sherloc (09022015). Collection method: clinical testing. Allele origin: germline.

Myriad Genetics, Inc.
Classification: Benign for Familial cancer of breast. Last evaluated: 2024-09-04. Review status: criteria provided, single submitter. Criteria: Myriad Autosomal Dominant, Autosomal Recessive and X-Linked Classification Criteria (2023). Collection method: clinical testing. Allele origin: unknown.
Comment: This variant is considered benign. This variant is a silent/synonymous amino acid change and it is not expected to impact splicing.

Color Diagnostics, LLC DBA Color Health
Classification: Likely benign for Hereditary cancer-predisposing syndrome. Last evaluated: 2020-04-28. Review status: criteria provided, single submitter. Criteria: ACMG Guidelines, 2015. Collection method: clinical testing. Allele origin: germline.

GeneDx
Classification: Likely benign. Last evaluated: 2017-08-02. Review status: criteria provided, single submitter. Criteria: GeneDx Variant Classification (06012015). Collection method: clinical testing. Allele origin: germline. Affected: yes.
Comment: This variant is considered likely benign or benign based on one or more of the following criteria: it is a conservative change, it occurs at a poorly conserved position in the protein, it is predicted to be benign by multiple in silico algorithms, and/or has population frequency not consistent with disease.

Ambry Genetics
Classification: Likely benign for Hereditary cancer-predisposing syndrome. Last evaluated: 2014-12-08. Review status: criteria provided, single submitter. Criteria: Ambry Variant Classification Scheme 2023. Collection method: clinical testing. Allele origin: germline.

NM_032043.3(BRIP1):c.2274A>G (p.Val758=)

Gene: BRIP1 (BRCA1 interacting DNA helicase 1; minus strand). Cytogenetic location: 17q23.2.
Variant type: single nucleotide variant.
Coding change: c.2274A>G on transcript NM_032043.3 (MANE Select); coding-DNA position 2274, A replaced by G.
Protein change: p.Val758=; no amino-acid change (valine 758 retained).
Molecular consequence: synonymous variant.
Genome position (GRCh38, 1-based): chr17:61,743,118, T>C on the plus strand (A>G on the coding strand, the complement: BRIP1 is on the minus strand). VCF-style: chr17-61743118-T-C. GRCh37 (hg19) VCF-style: chr17-59820479-T-C.
Identifiers: ClinVar variation 184542 (VCV000184542.18), dbSNP rs786201526, ClinGen allele CA189258.